The following continues an entry in ClinVar:

NM_001035.3(RYR2):c.1258C>T (p.Arg420Trp)

Gene: RYR2. ClinVar aggregate classification (germline): Pathogenic. Pathogenic (12).

Submissions 7 to 13 of 13:

GeneDx
Classification: Pathogenic. Last evaluated: 2021-12-14. Review status: criteria provided, single submitter. Criteria: GeneDx Variant Classification Process June 2021. Collection method: clinical testing. Allele origin: germline. Affected: yes.
Comment: Reported in association with CPVT and/or sudden unexplained death in patients referred to GeneDx and in the published literature (Bauce et al., 2002; Nishio et al., 2006; Medeiros-Domingo et al., 2009; Anderson et al., 2016; Kawata et al., 2016); Not observed at significant frequency in large population cohorts (Lek et al., 2016); In silico analysis supports that this missense variant has a deleterious effect on protein structure/function; Located in one of the three hot-spot regions of the RYR2 gene, where the majority of pathogenic missense variants occur (Medeiros-Domingo et al., 2009); Published functional studies in HEK293 cells and mouse models demonstrate a damaging effect on RYR2 receptor function (Tang et al., 2012; Okudaira et al., 2014); Reported in ClinVar as a pathogenic variant (ClinVar Variant ID# 201214; Landrum et al., 2016); This variant is associated with the following publications: (PMID: 25372681, 24025405, 22221940, 15544015, 23871484, 21616285, 31231889, 22373669, 25193700, 17062961, 12934820, 26332594, 22383456, 19926015, 12106942, 22787013, 26082524, 27114410, 27452199, 27538377, 28713282, 25087098, 26153920, 28422759, 28449774, 30170228, 29925740, 29434162, 29759671, 31112425, 30898243, 30909845, 31402444, 22374134, 30847666, 26582918)

Victorian Clinical Genetics Services, Murdoch Childrens Research Institute
Classification: Pathogenic for Catecholaminergic polymorphic ventricular tachycardia 1. Last evaluated: 2021-05-06. Review status: criteria provided, single submitter. Criteria: ACMG Guidelines, 2015. Collection method: clinical testing. Allele origin: germline. Inheritance: Autosomal dominant inheritance. Affected: yes.
Comment: Based on the classification scheme VCGS_Germline_v1.3.4, this variant is classified as Pathogenic. Following criteria are met: 0103 - Dominant negative and gain of function are known mechanisms of disease in this gene and are associated with catecholaminergic polymorphic ventricular tachycardia 1 (MIM#604772) (PMID: 12459180, PMID: 27646203, PMID: 29477366). (I) 0107 - This gene is associated with autosomal dominant disease. (I) 0112 - The condition associated with this gene has incomplete penetrance. Penetrance for CPVT is estimated to be 60-70% (PMID: 23549275). (I) 0200 - Variant is predicted to result in a missense amino acid change from arginine to tryptophan. (I) 0251 - This variant is heterozygous. (I) 0302 - Variant is present in gnomAD (v2) <0.001 for a dominant condition (3 heterozygotes, 0 homozygotes). (SP) 0501 - Missense variant consistently predicted to be damaging by multiple in silico tools or highly conserved with a major amino acid change. (SP) 0602 - Variant is located in a hotspot region or cluster of pathogenic variants. This variant is located in one of the well established missense variant hotspots found in this protein (Decipher, PMID: 19926015, PMID: 25193700). (SP) 0703 - Another missense variant comparable to the one identified in this case has moderate previous evidence for pathogenicity. This alternative change (p.Arg420Gln) has been reported multiple times as pathogenic, and has been observed in individuals with catecholaminergic polymorphic with ventricular tachycardia (CPVT) (ClinVar, PMID: 19926015). (SP) 0801 - This variant has strong previous evidence of pathogenicity in unrelated individuals. This variant has been described multiple times as pathogenic, and has been observed in many families with CPVT, commonly with incomplete penetrance (ClinVar, VCGS, PMID: 28158428). (SP) 1002 - This variant has moderate functional evidence supporting abnormal protein function. Knock-in mice have been demonstrated to have impaired depolarization-induced calcium oscillation in cardiomyocytes, prolonged decay time and abnormal calcium ion release (PMID: 25193700). (SP) 1208 - Inheritance information for this variant is not currently available in this individual. (I) Legend: (SP) - Supporting pathogenic, (I) - Information, (SB) - Supporting benign

Women's Health and Genetics/Laboratory Corporation of America, LabCorp
Classification: Pathogenic for Cardiomyopathy. Last evaluated: 2019-11-19. Review status: criteria provided, single submitter. Criteria: LabCorp Variant Classification Summary - May 2015. Collection method: clinical testing. Allele origin: germline.
Comment: Variant summary: RYR2 c.1258C>T (p.Arg420Trp) results in a non-conservative amino acid change in the encoded protein sequence. Five of five in-silico tools predict a damaging effect of the variant on protein function. The variant allele was found at a frequency of 1.2e-05 in 249018 control chromosomes (gnomAD). c.1258C>T has been reported in the literature in multiple individuals and families affected with Catecholaminergic Polymorphic Ventricular Tachycardia (CPVT) or Sudden Cardiac Death (e.g. Bauce_2002, Tester_2004, Adler_2016, van der Werf_2012, Nannenberg_2012), and was shown to segregate with the disease in several families, although with a reduced penetrance (Bauce_2002, van der Werf_2012, Nannenberg_2012). These data indicate that the variant is very likely to be associated with disease. At least one publication reported experimental evidence evaluating an impact on protein function, and demonstrated that the variant results in higher levels of fractional calcium release by RYR2 channels (Tang_2012). In addition, a knock-in mouse model of the R420W variant showed susceptibility to arrhythmias in response to heart stimulants (Okudaira_2014). Another missense variant affecting the same amino acid (R420Q) has been also reported in patients (HGMD), indicating the functional importance of this residue. Five clinical diagnostic laboratories have submitted clinical-significance assessments for this variant to ClinVar after 2014, and all of them classified the variant as pathogenic. Based on the evidence outlined above, the variant was classified as pathogenic.

Fulgent Genetics
Classification: Pathogenic for Catecholaminergic polymorphic ventricular tachycardia 1. Last evaluated: 2017-05-18. Review status: criteria provided, single submitter. Criteria: ACMG Guidelines, 2015. Collection method: clinical testing. Allele origin: unknown.

Scripps Translational Science Institute, Scripps Health and The Scripps Research Institute
Classification: Pathogenic for Ventricular fibrillation. Last evaluated: 2015-12-15. Review status: criteria provided, single submitter. Criteria: STSI_classification_crtieria_for_IDIOM. Collection method: research. Allele origin: de novo. Affected: yes. Observed: 1 variant allele. Study: IDIOM.

Laboratory for Molecular Medicine, Mass General Brigham Personalized Medicine
Classification: Pathogenic for Catecholaminergic polymorphic ventricular tachycardia. Last evaluated: 2015-06-25. Review status: criteria provided, single submitter. Criteria: LMM Criteria. Collection method: clinical testing. Allele origin: germline. Inheritance: Autosomal dominant inheritance. Observed: 1 variant allele.
Comment: The p.Arg420Trp in RYR2 has been identified in 6 individuals (1 child, 2 adolesc ents, 3 adults) with a clinical diagnosis of CPVT or sudden unexplained death (B auce 2002, Tester 2004, Nishio 2006, van der Werf 2012) and segregated with dise ase in at least 6 affected relatives from two families (Bauce 2002, van der Werf 2011). The p.Arg420Trp variant has been identified in 1/8604 East Asian chromos omes by the Exome Aggregation Consortium (ExAC; dbSNP rs190140598). Please note that for diseases with clinical variability or r educed penetrance, pathogenic variants may be present at a low frequency in the general population. A pathogenic role is also supported by studies of mice carry ing the variant (Okudaira 2014). In summary, this variant meets our criteria to be classified as pathogenic for CPVT in an autosomal dominant manner (.) based upon segregation studies and funct ional evidence.

CHEO Genetics Diagnostic Laboratory, Children's Hospital of Eastern Ontario
Classification: Uncertain significance for Cardiomyopathy. Last evaluated: 2021-04-20. Review status: flagged submission. Criteria: ACMG Guidelines, 2015. Collection method: clinical testing. Allele origin: germline. Not counted in ClinVar's aggregate classification.
ClinVar note: Reason: Older and outlier claim with insufficient supporting evidence

Literature cited by the submitters: PubMed 21616285 (cited by 5 submitters); PubMed 22221940 (cited by 3 submitters); PubMed 22373669 (cited by 6 submitters); PubMed 22787013 (cited by 5 submitters); PubMed 22374134 (cited by 6 submitters); PubMed 25193700 (cited by 8 submitters); PubMed 25440180 (cited by Labcorp Genetics (formerly Invitae), Labcorp); PubMed 26153920 (cited by Labcorp Genetics (formerly Invitae), Labcorp); PubMed 28422759 (cited by Labcorp Genetics (formerly Invitae), Labcorp); PubMed 28449774 (cited by Labcorp Genetics (formerly Invitae), Labcorp); PubMed 26743238 (cited by 4 submitters); PubMed 28158428 (cited by Color Diagnostics, LLC DBA Color Health and Victorian Clinical Genetics Services, Murdoch Childrens Research Institute); PubMed 32152366 (cited by Color Diagnostics, LLC DBA Color Health); PubMed 34127479 (cited by Color Diagnostics, LLC DBA Color Health); PubMed 34317443 (cited by Color Diagnostics, LLC DBA Color Health); PubMed 34930847 (cited by Color Diagnostics, LLC DBA Color Health); PubMed 37886885 (cited by Color Diagnostics, LLC DBA Color Health); PubMed 12106942 (cited by 5 submitters); PubMed 15544015 (cited by 5 submitters); PubMed 17062961 (cited by 4 submitters); PubMed 19926015 (cited by 4 submitters); PubMed 25087098 (cited by 3 submitters); PubMed 27114410 (cited by Ambry Genetics); PubMed 27452199 (cited by Ambry Genetics); PubMed 27538377 (cited by Ambry Genetics); PubMed 12459180 (cited by Victorian Clinical Genetics Services, Murdoch Childrens Research Institute); PubMed 23549275 (cited by Victorian Clinical Genetics Services, Murdoch Childrens Research Institute); PubMed 27646203 (cited by Victorian Clinical Genetics Services, Murdoch Childrens Research Institute); PubMed 29477366 (cited by Victorian Clinical Genetics Services, Murdoch Childrens Research Institute); PubMed 24025405 (cited by Laboratory for Molecular Medicine, Mass General Brigham Personalized Medicine); PubMed 23871484 (cited by Laboratory for Molecular Medicine, Mass General Brigham Personalized Medicine).